The following is an entry in ClinVar:

NM_004168.4(SDHA):c.671T>C (p.Leu224Pro)

Gene: SDHA (succinate dehydrogenase complex flavoprotein subunit A; plus strand). Cytogenetic location: 5p15.33.
Variant type: single nucleotide variant.
Coding change: c.671T>C on transcript NM_004168.4 (MANE Select); coding-DNA position 671, T replaced by C.
Protein change: p.Leu224Pro; replaces leucine 224 with proline.
Molecular consequence: missense variant.
Genome position (GRCh38, 1-based): chr5:228,234, T>C. VCF-style: chr5-228234-T-C. GRCh37 (hg19) VCF-style: chr5-228349-T-C.
Other names: c.527T>C, p.Leu176Pro (NM_001294332.2); c.671T>C, p.Leu224Pro (NM_001330758.2); short protein forms L176P, L224P.
Identifiers: ClinVar variation 3951352 (VCV003951352.2).
Genomic context (GRCh38, chr5:228,234, plus strand): 5'-CTTTCTTTTAGTCTCTGCGATATGATACCAGCTATTTTGTGGAGTATTTTGCCTTGGATC[T>C]CCTGATGGAGAATGGGGAGTGCCGTGGTGTCATCGCACTGTGCATAGAGGACGGGTCCAT-3'
Protein context (NP_004159.2, residues 214-234): SYFVEYFALD[Leu224Pro]LMENGECRGV

ClinVar aggregate classification (germline): Uncertain significance (1 of 4 stars; one submission).

Conditions:
Hereditary cancer-predisposing syndrome. Also called: Neoplastic Syndromes, Hereditary; Tumor predisposition; Hereditary neoplastic syndrome; Hereditary Cancer Syndrome. Identifiers: Orphanet 140162, MedGen C0027672, MeSH D009386, MONDO:0015356.

Submission:

Ambry Genetics
Classification: Uncertain significance for Hereditary cancer-predisposing syndrome. Last evaluated: 2026-02-05. Review status: criteria provided, single submitter. Criteria: Ambry Variant Classification Scheme 2023. Collection method: clinical testing. Allele origin: germline.
Comment: The p.L224P variant (also known as c.671T>C), located in coding exon 6 of the SDHA gene, results from a T to C substitution at nucleotide position 671. The leucine at codon 224 is replaced by proline, an amino acid with similar properties. This amino acid position is highly conserved in available vertebrate species. In addition, this alteration is predicted to be deleterious by in silico analysis. Based on the available evidence, the clinical significance of this variant remains unclear.